The following is an entry in ClinVar:

ClinVar aggregate classification (germline): Uncertain significance. Review status: criteria provided, multiple submitters, no conflicts (2 of 4 stars). 3 submissions from 3 submitters: Uncertain significance (3). Last evaluated 2025-12-10.

Conditions:
Hearing loss, autosomal recessive 107. Also called: DEAFNESS, AUTOSOMAL RECESSIVE 107. Identifiers: MedGen C4539964, MONDO:0033199, OMIM 617639.

Allele frequency attached by ClinVar (database versions not stated): gnomAD exomes 0.00002; TOPMed 0.00003; ExAC 0.00005.
gnomAD v4.1: 31 of 1,556,188 alleles (0.002%); highest among the groups gnomAD compares: Middle Eastern, 0.066%; no homozygotes.

Submissions (3):

Labcorp Genetics (formerly Invitae), Labcorp
Classification: Uncertain significance. Last evaluated: 2025-12-10. Review status: criteria provided, single submitter. Criteria: Invitae Variant Classification Sherloc (09022015). Collection method: clinical testing. Allele origin: germline.
Comment: This sequence change replaces proline, which is neutral and non-polar, with alanine, which is neutral and non-polar, at codon 156 of the WBP2 protein (p.Pro156Ala). This variant is present in population databases (rs773715692, gnomAD 0.03%). This variant has not been reported in the literature in individuals affected with WBP2-related conditions. ClinVar contains an entry for this variant (Variation ID: 1027790). Invitae Evidence Modeling of protein sequence and biophysical properties (such as structural, functional, and spatial information, amino acid conservation, physicochemical variation, residue mobility, and thermodynamic stability) indicates that this missense variant is not expected to disrupt WBP2 protein function with a negative predictive value of 80%. In summary, the available evidence is currently insufficient to determine the role of this variant in disease. Therefore, it has been classified as a Variant of Uncertain Significance.

Ambry Genetics
Classification: Uncertain significance. Last evaluated: 2025-03-26. Review status: criteria provided, single submitter. Criteria: Ambry Variant Classification Scheme 2023. Collection method: clinical testing. Allele origin: germline.

Baylor Genetics
Classification: Uncertain significance for Hearing loss, autosomal recessive 107. Last evaluated: 2020-07-28. Review status: criteria provided, single submitter. Criteria: ACMG Guidelines, 2015. Collection method: clinical testing. Allele origin: unknown. Affected: yes.
Comment: This variant was determined to be of uncertain significance according to ACMG Guidelines, 2015 [PMID:25741868].

NM_012478.4(WBP2):c.466C>G (p.Pro156Ala)

Gene: WBP2 (WW domain binding protein 2; minus strand). Cytogenetic location: 17q25.1.
Variant type: single nucleotide variant.
Coding change: c.466C>G on transcript NM_012478.4 (MANE Select); coding-DNA position 466, C replaced by G.
Protein change: p.Pro156Ala; replaces proline 156 with alanine.
Molecular consequence: missense variant. On other transcripts: intron variant (1).
Genome position (GRCh38, 1-based): chr17:75,847,862, G>C on the plus strand (C>G on the coding strand, the complement: WBP2 is on the minus strand). VCF-style: chr17-75847862-G-C. GRCh37 (hg19) VCF-style: chr17-73843943-G-C.
Other names: c.466C>G, p.Pro156Ala (NM_001348170.1); c.398-253C>G (NM_001330499.2); short protein forms P156A.
Identifiers: ClinVar variation 1027790 (VCV001027790.6), dbSNP rs773715692, ClinGen allele CA8773911.
Genomic context (GRCh38, chr17:75,847,862, plus strand): 5'-GGGGCGGTGGATAGGGGTAGCCAGGAGGGCAGGGGTACATTCCATTGGCGACTGGCGGGG[G>C]ATAGACATAGGCCCCGCTGGGCATGTAAGAGTAGCCATAGGCTCCACTGGGGACTTCACC-3'
Protein context (NP_036610.2, residues 146-166): SYMPSGAYVY[Pro156Ala]PPVANGMYPC